The following is an entry in ClinVar:

ClinVar aggregate classification (germline): Uncertain significance (0 of 4 stars; one submission).

Conditions:
BDNF-related disorder. Also called: BDNF-related condition.

gnomAD v4.1: 51 of 1,614,022 alleles (0.0032%); highest among the groups gnomAD compares: Non-Finnish European, 0.0014%; no homozygotes.

Submission:

PreventionGenetics, part of Exact Sciences
Classification: Uncertain significance for BDNF-related condition. Last evaluated: 2024-05-06. Review status: no assertion criteria provided. Collection method: clinical testing. Allele origin: germline.
Comment: The BDNF c.709A>T variant is predicted to result in the amino acid substitution p.Thr237Ser. To our knowledge, this variant has not been reported in the literature. This variant is reported in 0.048% of alleles in individuals of European (Finnish) descent in gnomAD. At this time, the clinical significance of this variant is uncertain due to the absence of conclusive functional and genetic evidence.

NM_001709.5(BDNF):c.463A>T (p.Thr155Ser)

Genes: BDNF (brain derived neurotrophic factor; minus strand), BDNF-AS (BDNF antisense RNA; plus strand). Cytogenetic location: 11p14.1.
Variant type: single nucleotide variant.
Coding change: c.463A>T on transcript NM_001709.5 (MANE Select); coding-DNA position 463, A replaced by T.
Protein change: p.Thr155Ser; replaces threonine 155 with serine.
Molecular consequence: missense variant.
Genome position (GRCh38, 1-based): chr11:27,658,102, T>A on the plus strand (A>T on the coding strand, the complement: BDNF is on the minus strand). VCF-style: chr11-27658102-T-A. GRCh37 (hg19) VCF-style: chr11-27679649-T-A.
Other names: c.463A>T, p.Thr155Ser (NM_001143805.1, NM_001143806.1, NM_001143807.2 and 9 more transcripts); c.550A>T, p.Thr184Ser (NM_001143809.2); c.709A>T, p.Thr237Ser (NM_001143810.2); c.487A>T, p.Thr163Ser (NM_170731.5); c.508A>T, p.Thr170Ser (NM_170734.4); short protein forms T155S, T163S, T170S, T184S, T237S.
Identifiers: ClinVar variation 3358723 (VCV003358723.1).